The following is an entry in ClinVar:

ClinVar aggregate classification (germline): Uncertain significance (1 of 4 stars; one submission).

Conditions:
Hereditary cancer-predisposing syndrome. Also called: Hereditary neoplastic syndrome; Hereditary Cancer Syndrome; Neoplastic Syndromes, Hereditary; Tumor predisposition. Identifiers: Orphanet 140162, MedGen C0027672, MeSH D009386, MONDO:0015356.

Submission:

Ambry Genetics
Classification: Uncertain significance for Hereditary cancer-predisposing syndrome. Last evaluated: 2023-05-12. Review status: criteria provided, single submitter. Criteria: Ambry Variant Classification Scheme 2023. Collection method: clinical testing. Allele origin: germline.
Comment: The p.Q987K variant (also known as c.2959C>A), located in coding exon 9 of the PALB2 gene, results from a C to A substitution at nucleotide position 2959. The glutamine at codon 987 is replaced by lysine, an amino acid with similar properties. This amino acid position is conserved. In addition, this alteration is predicted to be tolerated by in silico analysis. Since supporting evidence is limited at this time, the clinical significance of this alteration remains unclear.

NM_024675.4(PALB2):c.2959C>A (p.Gln987Lys)

Gene: PALB2 (partner and localizer of BRCA2; minus strand). Cytogenetic location: 16p12.2.
Variant type: single nucleotide variant.
Coding change: c.2959C>A on transcript NM_024675.4 (MANE Select); coding-DNA position 2959, C replaced by A.
Protein change: p.Gln987Lys; replaces glutamine 987 with lysine.
Molecular consequence: missense variant. On other transcripts: intron variant (1).
Genome position (GRCh38, 1-based): chr16:23,623,006, G>T on the plus strand (C>A on the coding strand, the complement: PALB2 is on the minus strand). VCF-style: chr16-23623006-G-T. GRCh37 (hg19) VCF-style: chr16-23634327-G-T.
Other names: c.2899C>A, p.Gln967Lys (NM_001407296.1); c.2887C>A, p.Gln963Lys (NM_001407297.1); c.2797C>A, p.Gln933Lys (NM_001407298.1, NM_001407302.1); c.2959C>A, p.Gln987Lys (NM_001407299.1, NM_001407301.1); c.2074C>A, p.Gln692Lys (NM_001407304.1, NM_001407305.1, NM_001407306.1 and 4 more transcripts); c.1912C>A, p.Gln638Lys (NM_001407307.1); c.1171C>A, p.Gln391Lys (NM_001407312.1, NM_001407313.1); c.493C>A, p.Gln165Lys (NM_001407314.1); and 1 more; short protein forms Q165K, Q391K, Q967K, Q692K, Q963K, Q638K, Q933K, Q987K.
Identifiers: ClinVar variation 2567587 (VCV002567587.2), dbSNP rs2142335181, ClinGen allele CA395144010.
Genomic context (GRCh38, chr16:23,623,006, plus strand): 5'-AAATCAATCAATGCTTTTCTTACCCTCCATCTTCTGCAAACGTCATGACTTCTACTTGTT[G>T]ATCAGAAAGGGTCCCACTGCTACTAACTAGCCTCCTCTTTGTCAGGCCAAGCACAGCTTT-3'
Protein context (NP_078951.2, residues 977-997): LVSSSGTLSD[Gln987Lys]QVEVMTFAED